The following is an entry in ClinVar:

NM_001363711.2(DUOX2):c.3415+4C>T

Gene: DUOX2 (dual oxidase 2; minus strand). Cytogenetic location: 15q21.1.
Variant type: single nucleotide variant.
Coding change: c.3415+4C>T on transcript NM_001363711.2 (MANE Select); 4 bases into the intron after coding-DNA position 3415, C replaced by T.
Molecular consequence: intron variant.
Genome position (GRCh38, 1-based): chr15:45,099,658, G>A on the plus strand (C>T on the coding strand, the complement: DUOX2 is on the minus strand). VCF-style: chr15-45099658-G-A. GRCh37 (hg19) VCF-style: chr15-45391856-G-A.
Other names: c.3415+4C>T (NM_014080.5).
Identifiers: ClinVar variation 1376436 (VCV001376436.3), dbSNP rs373924991, ClinGen allele CA7537882.
Genomic context (GRCh38, chr15:45,099,658, plus strand): 5'-ACTGTTTCCCCCAACTAGACCCAGGGTGCTGCAGCAAAGAGGAAGAAGCCTGGGAGTCAC[G>A]TACTGGCCAGGACAACAGCAGCCATGGCGATCCAGCGGTGGAAGTCCACTGCGGCATCAA-3'

ClinVar aggregate classification (germline): Uncertain significance (1 of 4 stars; one submission).

Submission:

Labcorp Genetics (formerly Invitae), Labcorp
Classification: Uncertain significance. Last evaluated: 2022-10-17. Review status: criteria provided, single submitter. Criteria: Invitae Variant Classification Sherloc (09022015). Collection method: clinical testing. Allele origin: germline.
Comment: This sequence change falls in intron 25 of the DUOX2 gene. It does not directly change the encoded amino acid sequence of the DUOX2 protein. It affects a nucleotide within the consensus splice site. This variant is present in population databases (rs373924991, gnomAD 0.007%). This variant has not been reported in the literature in individuals affected with DUOX2-related conditions. ClinVar contains an entry for this variant (Variation ID: 1376436). Variants that disrupt the consensus splice site are a relatively common cause of aberrant splicing (PMID: 17576681, 9536098). Algorithms developed to predict the effect of sequence changes on RNA splicing suggest that this variant is not likely to affect RNA splicing. In summary, the available evidence is currently insufficient to determine the role of this variant in disease. Therefore, it has been classified as a Variant of Uncertain Significance.

Literature cited by the submitters: PubMed 17576681; PubMed 9536098.